The following is an entry in ClinVar:

ClinVar aggregate classification (germline): Uncertain significance (1 of 4 stars; one submission).

gnomAD v4.1: 2 of 1,602,698 alleles (0.00012%); highest among the groups gnomAD compares: Non-Finnish European, 0.00017%; no homozygotes.

Submission:

Labcorp Genetics (formerly Invitae), Labcorp
Classification: Uncertain significance. Last evaluated: 2021-09-24. Review status: criteria provided, single submitter. Criteria: Invitae Variant Classification Sherloc (09022015). Collection method: clinical testing. Allele origin: germline.
Comment: This sequence change replaces histidine with glutamine at codon 358 of the PCDH15 protein (p.His358Gln). The histidine residue is moderately conserved and there is a small physicochemical difference between histidine and glutamine. This variant is not present in population databases (ExAC no frequency). This variant has not been reported in the literature in individuals with PCDH15-related conditions. Algorithms developed to predict the effect of missense changes on protein structure and function are either unavailable or do not agree on the potential impact of this missense change (SIFT: "Tolerated"; PolyPhen-2: "Possibly Damaging"; Align-GVGD: "Class C0"). In summary, the available evidence is currently insufficient to determine the role of this variant in disease. Therefore, it has been classified as a Variant of Uncertain Significance.

NM_001384140.1(PCDH15):c.1074C>G (p.His358Gln)

Gene: PCDH15 (protocadherin related 15; minus strand). Cytogenetic location: 10q21.1.
Variant type: single nucleotide variant.
Coding change: c.1074C>G on transcript NM_001384140.1 (MANE Select); coding-DNA position 1074, C replaced by G.
Protein change: p.His358Gln; replaces histidine 358 with glutamine.
Molecular consequence: missense variant.
Genome position (GRCh38, 1-based): chr10:54,213,960, G>C on the plus strand (C>G on the coding strand, the complement: PCDH15 is on the minus strand). VCF-style: chr10-54213960-G-C. GRCh37 (hg19) VCF-style: chr10-55973720-G-C.
Other names: c.1089C>G, p.His363Gln (NM_001142763.2, NM_001142769.4, NM_001142771.2); c.1074C>G, p.His358Gln (NM_001142764.2, NM_001142765.2, NM_001142766.2 and 7 more transcripts); c.963C>G, p.His321Gln (NM_001142767.2); c.1008C>G, p.His336Gln (NM_001142768.2, NM_001142773.2, NM_001354404.2); short protein forms H321Q, H358Q, H336Q, H363Q.
Identifiers: ClinVar variation 1464411 (VCV001464411.5), dbSNP rs2134107295, ClinGen allele CA376523474.